The following is an entry in ClinVar:

NM_000238.4(KCNH2):c.441C>T (p.His147=)

Gene: KCNH2 (potassium voltage-gated channel subfamily H member 2; minus strand). Cytogenetic location: 7q36.1.
Variant type: single nucleotide variant.
Coding change: c.441C>T on transcript NM_000238.4 (MANE Select); coding-DNA position 441, C replaced by T.
Protein change: p.His147=; no amino-acid change (histidine 147 retained).
Molecular consequence: synonymous variant. On other transcripts: non-coding transcript variant (1).
Genome position (GRCh38, 1-based): chr7:150,959,603, G>A on the plus strand (C>T on the coding strand, the complement: KCNH2 is on the minus strand). VCF-style: chr7-150959603-G-A. GRCh37 (hg19) VCF-style: chr7-150656691-G-A.
Other names: c.153C>T, p.His51= (NM_001406753.1, NM_001406756.1); c.264C>T, p.His88= (NM_001406755.1); c.141C>T, p.His47= (NM_001406757.1); c.441C>T, p.His147= (NM_172056.3).
Identifiers: ClinVar variation 527097 (VCV000527097.19), dbSNP rs143479939, ClinGen allele CA039456.
Genomic context (GRCh38, chr7:150,959,603, plus strand): 5'-TGAGCCTGCCCTAAAGCAAGTACACTTACCTGGGGCCAGCCAGCTGGTGGGGGGGCCCCG[G>A]TGGTTGGTGTCATGAGCCGGGGACCCCACCATGTCCTTCTCCATCACCACCTCGAAATTG-3'
Protein context (NP_000229.1, residues 137-157): MVGSPAHDTN[His147=]RGPPTSWLAP

ClinVar aggregate classification (germline): Benign/Likely benign. Review status: criteria provided, multiple submitters, no conflicts (2 of 4 stars). 4 submissions from 4 submitters: Benign (2); Likely benign (2). Last evaluated 2026-02-01.

Conditions:
Cardiac arrhythmia. Also called: Cardiac rhythm disease; Arrhythmia. Identifiers: MedGen C0003811, MONDO:0007263, HP:0011675.
Long QT syndrome (LQTS). Identifiers: MedGen C0023976, MeSH D008133, MONDO:0002442. Disease mechanism: loss of function. Inheritance: Various modes of inheritance.
Cardiovascular phenotype. Identifiers: MedGen CN230736.

Allele frequency attached by ClinVar (database versions not stated): gnomAD exomes 0.00002 and 0.00004; ExAC 0.00003; 1000 Genomes Project 30x 0.00016; 1000 Genomes Project 0.00020; gnomAD 0.00021; TOPMed 0.00025; ESP Exome Variant Server 0.00023.
gnomAD v4.1: 54 of 1,614,140 alleles (0.0033%); highest among the groups gnomAD compares: African/African-American, 0.063%; no homozygotes.

Submissions (4):

Labcorp Genetics (formerly Invitae), Labcorp
Classification: Likely benign for Long QT syndrome. Last evaluated: 2026-02-01. Review status: criteria provided, single submitter. Criteria: Invitae Variant Classification Sherloc (09022015). Collection method: clinical testing. Allele origin: germline.

All of Us Research Program, National Institutes of Health
Classification: Benign for Long QT syndrome. Last evaluated: 2023-12-18. Review status: criteria provided, single submitter. Criteria: ACMG Guidelines, 2015. Collection method: clinical testing. Allele origin: germline. Inheritance: Autosomal dominant inheritance. Observed: 14 variant alleles, 14 heterozygotes.
Comment: This study involves interpretation of variants in research participants for the purpose of population health screening. Participant phenotype was not available at the time of variant classification. Additional details can be found in publication PMID: 35346344, PMCID: PMC8962531

Color Diagnostics, LLC DBA Color Health
Classification: Benign for Arrhythmia. Last evaluated: 2019-12-30. Review status: criteria provided, single submitter. Criteria: ACMG Guidelines, 2015. Collection method: clinical testing. Allele origin: germline.

Ambry Genetics
Classification: Likely benign for Cardiovascular phenotype. Last evaluated: 2018-05-31. Review status: criteria provided, single submitter. Criteria: Ambry Variant Classification Scheme 2023. Collection method: clinical testing. Allele origin: germline.